The following is an entry in ClinVar:

ClinVar aggregate classification (germline): Likely benign. Review status: criteria provided, multiple submitters, no conflicts (2 of 4 stars). 2 submissions from 2 submitters: Likely benign (2). Last evaluated 2023-02-24.

Conditions:
Multiple endocrine neoplasia, type 2 (MEN2). Identifiers: Orphanet 653, MedGen C4048306, MONDO:0019003. Disease mechanism: gain of function.

gnomAD v4.1: 1 of 1,612,944 alleles (0.000062%); highest among the groups gnomAD compares: Non-Finnish European, 0.000085%; no homozygotes.

Submissions (2):

All of Us Research Program, National Institutes of Health
Classification: Likely benign for Multiple endocrine neoplasia, type 2. Last evaluated: 2023-02-24. Review status: criteria provided, single submitter. Criteria: ACMG Guidelines, 2015. Collection method: clinical testing. Allele origin: germline. Inheritance: Autosomal dominant inheritance. Observed: 1 variant allele, 1 heterozygote.
Comment: This study involves interpretation of variants in research participants for the purpose of population health screening. Participant phenotype was not available at the time of variant classification. Additional details can be found in publication PMID: 35346344, PMCID: PMC8962531

Labcorp Genetics (formerly Invitae), Labcorp
Classification: Likely benign for Multiple endocrine neoplasia, type 2. Last evaluated: 2019-05-30. Review status: criteria provided, single submitter. Criteria: Invitae Variant Classification Sherloc (09022015). Collection method: clinical testing. Allele origin: germline.

NM_020975.6(RET):c.2742A>C (p.Pro914=)

Gene: RET (ret proto-oncogene; plus strand). Cytogenetic location: 10q11.21.
Variant type: single nucleotide variant.
Coding change: c.2742A>C on transcript NM_020975.6 (MANE Select); coding-DNA position 2742, A replaced by C.
Protein change: p.Pro914=; no amino-acid change (proline 914 retained).
Molecular consequence: synonymous variant.
Genome position (GRCh38, 1-based): chr10:43,121,957, A>C. VCF-style: chr10-43121957-A-C. GRCh37 (hg19) VCF-style: chr10-43617405-A-C.
Other names: c.2742A>C, p.Pro914= (NM_000323.2, NM_001406743.1, NM_001406744.1 and 4 more transcripts); c.1980A>C, p.Pro660= (NM_001355216.2); c.2613A>C, p.Pro871= (NM_001406761.1, NM_001406762.1, NM_001406764.1); c.2607A>C, p.Pro869= (NM_001406763.1, NM_001406765.1); c.2454A>C, p.Pro818= (NM_001406766.1, NM_001406767.1, NM_001406770.1); c.2478A>C, p.Pro826= (NM_001406768.1); c.2346A>C, p.Pro782= (NM_001406769.1, NM_001406772.1); c.2304A>C, p.Pro768= (NM_001406771.1, NM_001406773.1); and 10 more.
Identifiers: ClinVar variation 1104382 (VCV001104382.11), dbSNP rs375963128, ClinGen allele CA469029599.